The following is an entry in ClinVar:

NM_080425.4(GNAS):c.318_319inv (p.Glu107Lys)

Gene: GNAS (GNAS complex locus; plus strand). Cytogenetic location: 20q13.32.
Variant type: Inversion.
Coding change: c.318_319inv on transcript NM_080425.4 (MANE Plus Clinical).
Protein change: p.Glu107Lys; replaces glutamic acid 107 with lysine.
Molecular consequence: missense variant. On other transcripts: intron variant (3).
Genome position: GRCh38 VCF-style: chr20-58853583-TG-CA. GRCh37 (hg19) VCF-style: chr20-57428638-TG-CA.
Other names: c.131_132inv, p.Leu44Pro (NM_001077490.3, NM_001309883.1); c.318_319inv, p.Glu107Lys (NM_001410913.1); c.*42+12697_*42+12698inv (NM_016592.5); c.43+12697_43+12698inv (NM_001410912.1); c.-39+11708_-39+11709inv (NM_001309861.2); short protein forms E107K, L44P.
Identifiers: ClinVar variation 3352244 (VCV003352244.1).
Genomic context (GRCh38, chr20:58,853,583, plus strand): 5'-GGAAGCTGGAGCCCATGGAAGCTACAGCCCACCTCCTGAGGAAGCAATGCCCTTCGAGGC[TG>CA]AACAGCCCAGCTTGGGAGGCTTCTGGCCTACACTGGAGCAGCCTGGATTCCCCAGTGGGG-3'
Protein context (NP_536350.2, residues 97-117): PPEEAMPFEA[Glu107Lys]QPSLGGFWPT

ClinVar aggregate classification (germline): Uncertain significance (0 of 4 stars; one submission).

Conditions:
GNAS-related disorder. Identifiers: MedGen CN380105.

Submission:

PreventionGenetics, part of Exact Sciences
Classification: Uncertain significance for GNAS-related condition. Last evaluated: 2024-08-16. Review status: no assertion criteria provided. Collection method: clinical testing. Allele origin: germline.
Comment: The GNAS c.318_319delinsCA variant is predicted to result in an in-frame deletion and insertion. To our knowledge, this variant has not been reported in the literature. In gnomAD, the c.318_319delinsCA variant appears as two allele calls (c.318T>C and c.319G>A), but the variants are reported to occur in cis (on the same allele) in all individuals. In the primary transcript of the GNAS gene (NM_000516.5) this variant is located in the 5’ untranslated region (UTR) and is defined as c.-38144_-38143delinsCA. At this time, the clinical significance of this variant is uncertain due to the absence of conclusive functional and genetic evidence.